The following continues an entry in ClinVar:

NM_000152.5(GAA):c.1194+3G>C

Gene: GAA. ClinVar aggregate classification (germline): Uncertain significance. Uncertain significance (1).

Submissions 11 to 18 of 18:

ARUP Laboratories, Molecular Genetics and Genomics, ARUP Laboratories
Classification: Uncertain significance for Glycogen storage disease, type II. Last evaluated: 2023-08-17. Review status: criteria provided, single submitter. Criteria: ARUP Molecular Germline Variant Investigation Process 2024. Collection method: clinical testing. Allele origin: germline. Not counted in ClinVar's aggregate classification.
Comment: The GAA c.1194+3G>C variant (rs368539333) is reported in the literature in compound heterozygous individuals with reduced GAA activity identified by newborn screening (Burton 2020, Ficicioglu 2020). This variant is reported in ClinVar (Variation ID: 198393) and is found in the general population with an overall allele frequency of 0.0158% (44/279,222 alleles) in the Genome Aggregation Database. This is an intronic variant in a weakly conserved nucleotide, but computational analyses (Alamut Visual Plus v.1.5.1) predict that this variant may impact splicing by weakening the nearby canonical donor splice site. The c.1194+3G>C variant is classified as likely pathogenic by the ClinGen lysosomal diseases variant curation expert panel, however, internal data was cited and could not be independently verified. Due to limited information, the clinical significance of this variant is uncertain at this time. References: Link to lysosomal diseases VCEP: Burton BK et al. Newborn Screening for Pompe Disease in Illinois: Experience with 684,290 Infants. Int J Neonatal Screen. 2020 Jan 21;6(1):4. PMID: 33073003. Ficicioglu C et al. Newborn Screening for Pompe Disease: Pennsylvania Experience. Int J Neonatal Screen. 2020 Nov 13;6(4):89. PMID: 33202836.

Genome-Nilou Lab
Classification: Uncertain significance for Glycogen storage disease, type II. Last evaluated: 2021-09-05. Review status: criteria provided, single submitter. Criteria: ACMG Guidelines, 2015. Collection method: clinical testing. Allele origin: germline. Affected: no. Not counted in ClinVar's aggregate classification.

Eurofins Ntd Llc (ga)
Classification: Uncertain significance. Last evaluated: 2015-05-22. Review status: criteria provided, single submitter. Criteria: EGL Classification Definitions 2015. Collection method: clinical testing. Allele origin: germline. Observed: 3 variant alleles, 3 heterozygotes. Not counted in ClinVar's aggregate classification.

PreventionGenetics, part of Exact Sciences
Classification: Uncertain significance for GAA-related condition. Last evaluated: 2024-05-06. Review status: no assertion criteria provided. Collection method: clinical testing. Allele origin: germline. Not counted in ClinVar's aggregate classification.
Comment: The GAA c.1194+3G>C variant is predicted to interfere with splicing. This variant has been reported in the compound heterozygous state in two individuals with suspected Pompe disease identified via newborn screening (Burton et al. 2020. PubMed ID: 33073003; Ficicioglu et al. 2020. PubMed ID: 33202836). Although this variant is not predicted to have a significant impact on splicing according to SpliceAI (score <0.2; Jaganathan et al. 2019. PubMed ID: 30661751), other in silico prediction programs suggest that this variant may weaken the adjacent canonical donor site, leading to exon-skipping and premature protein termination (Alamut Visual Plus v1.6.1). This variant is reported in 0.031% of alleles in individuals of European (Non-Finnish) descent in gnomAD and has conflicting interpretations in ClinVar ranging from likely benign to likely pathogenic. Of note, it was classified as likely pathogenic by the ClinGen Lysosomal Storage Disorder Variant Curation Expert Panel (VCEP); however, this classification was partially based on internal data not available for independent review. Therefore, although we suspect that this variant may be pathogenic, the clinical significance of this variant is uncertain at this time due to absence of conclusive functional and genetic evidence.

Natera, Inc.
Classification: Uncertain significance for Glycogen storage disease type II. Last evaluated: 2020-01-24. Review status: no assertion criteria provided. Collection method: clinical testing. Allele origin: germline. Not counted in ClinVar's aggregate classification.

Dr. Peter K. Rogan Lab, Western University
No classification provided (evidence only). Condition: Uterine corpus endometrial carcinoma. Review status: no classification provided. Collection method: in vitro. Allele origin: not applicable. Functional consequence: skipped exon, retained intron. Not counted in ClinVar's aggregate classification.

Genome Diagnostics Laboratory, University Medical Center Utrecht
Classification: Uncertain significance. Review status: no assertion criteria provided. Collection method: clinical testing. Allele origin: germline. Affected: yes. Study: VKGL Data-share Consensus. Not counted in ClinVar's aggregate classification.

Laboratory of Diagnostic Genome Analysis, Leiden University Medical Center (LUMC)
Classification: Uncertain significance. Review status: no assertion criteria provided. Collection method: clinical testing. Allele origin: germline. Affected: yes. Study: VKGL Data-share Consensus. Not counted in ClinVar's aggregate classification.

Literature cited by the submitters: PubMed 33073003 (cited by 3 submitters); PubMed 33202836 (cited by 3 submitters); PubMed 17576681 (cited by Labcorp Genetics (formerly Invitae), Labcorp); PubMed 9536098 (cited by Labcorp Genetics (formerly Invitae), Labcorp).